The following is an entry in ClinVar:

NM_001370259.2(MEN1):c.1800_1803del (p.Phe602fs)

Gene: MEN1 (menin 1; minus strand). Cytogenetic location: 11q13.1.
Variant type: Deletion.
Coding change: c.1800_1803del on transcript NM_001370259.2 (MANE Select); coding-DNA positions 1800 to 1803, 4 bases deleted (GTCT; older notation c.1800_1803delGTCT).
Protein change: p.Phe602fs; shifts the reading frame from phenylalanine 602.
Molecular consequence: frameshift variant. On other transcripts: non-coding transcript variant (4).
Genome position (GRCh38, 1-based): chr11:64,804,364-64,804,367, AGAC deleted on the plus strand (GTCT on the coding strand, the reverse complement: MEN1 is on the minus strand); deleting any 4 consecutive bases within chr11:64,804,364-64,804,370 gives the same sequence; the c. name uses the placement nearest the transcript's 3' end. VCF-style (leftmost placement, unchanged base first): chr11-64804363-AAGAC-A. GRCh37 (hg19) VCF-style: chr11-64571835-AAGAC-A.
Other names: c.1815_1818del, p.Phe607fs (NM_000244.4, NM_001407145.1, NM_130800.3 and 4 more transcripts); c.1926_1929del, p.Phe644fs (NM_001370251.2, NM_001407142.1, NM_001407143.1 and 1 more transcripts); c.1800_1803del, p.Phe602fs (NM_001370260.2, NM_001370261.2, NM_001407146.1 and 2 more transcripts); c.1695_1698del, p.Phe567fs (NM_001370262.2, NM_001370263.2, NM_001407148.1 and 1 more transcripts); c.1941_1944del, p.Phe649fs (NM_001407150.1); c.1821_1824del, p.Phe609fs (NM_001407151.1); c.1635_1638del, p.Phe547fs (NM_001407152.1); short protein forms F547fs, F567fs, F602fs, F607fs, F609fs, F644fs, F649fs.
Identifiers: ClinVar variation 3072087 (VCV003072087.1), dbSNP rs2497098950, ClinGen allele CA2825002027.

ClinVar aggregate classification (germline): Uncertain significance (1 of 4 stars; one submission).

Conditions:
Multiple endocrine neoplasia, type 1 (MEN1). Also called: MEN I; WERMER SYNDROME; Endocrine adenomatosis multiple; MEN 1; MEA I. Identifiers: Orphanet 652, MedGen C0025267, MeSH D018761, MONDO:0007540, OMIM 131100.

Submission:

All of Us Research Program, National Institutes of Health
Classification: Uncertain significance for Multiple endocrine neoplasia, type 1. Last evaluated: 2023-06-28. Review status: criteria provided, single submitter. Criteria: ACMG Guidelines, 2015. Collection method: clinical testing. Allele origin: germline. Inheritance: Autosomal dominant inheritance. Observed: 1 variant allele, 1 heterozygote.
Comment: This study involves interpretation of variants in research participants for the purpose of population health screening. Participant phenotype was not available at the time of variant classification. Additional details can be found in publication PMID: 35346344, PMCID: PMC8962531